The following is an entry in ClinVar:

NM_017780.4(CHD7):c.6480T>G (p.Ala2160=)

Gene: CHD7 (chromodomain helicase DNA binding protein 7; plus strand). Cytogenetic location: 8q12.2.
Variant type: single nucleotide variant.
Coding change: c.6480T>G on transcript NM_017780.4 (MANE Select); coding-DNA position 6480, T replaced by G.
Protein change: p.Ala2160=; no amino-acid change (alanine 2160 retained).
Molecular consequence: synonymous variant. On other transcripts: intron variant (1).
Genome position (GRCh38, 1-based): chr8:60,853,205, T>G. VCF-style: chr8-60853205-T-G. GRCh37 (hg19) VCF-style: chr8-61765764-T-G.
Other names: c.6480T>G (NM_017780.3); c.1717-9024T>G (NM_001316690.1).
Identifiers: ClinVar variation 1151583 (VCV001151583.17), dbSNP rs746037662, ClinGen allele CA4760597.

ClinVar aggregate classification (germline): Likely benign. Review status: criteria provided, multiple submitters, no conflicts (2 of 4 stars). 4 submissions from 4 submitters: Likely benign (3). 1 of the submissions does not count toward it. Last evaluated 2026-01-27.

Conditions:
CHARGE syndrome (CHARGE). Also called: Hittner Hirsch Kreh syndrome; CHARGE ASSOCIATION--COLOBOMA, HEART ANOMALY, CHOANAL ATRESIA, RETARDATION, GENITAL AND EAR ANOMALIES; Coloboma, heart anomaly, choanal atresia, retardation, genital and ear anomalies; CHARGE association; Hall-Hittner syndrome. Identifiers: Orphanet 138, MedGen C0265354, MONDO:0008965.
CHD7-related disorder. Also called: CHD7-related condition.

Allele frequency attached by ClinVar (database versions not stated): ExAC 0.00003; gnomAD 0.00003; TOPMed 0.00004.
gnomAD v4.1: 22 of 1,613,710 alleles (0.0014%); highest among the groups gnomAD compares: Middle Eastern, 0.016%; no homozygotes.

Submissions (4):

Labcorp Genetics (formerly Invitae), Labcorp
Classification: Likely benign for CHARGE syndrome. Last evaluated: 2026-01-27. Review status: criteria provided, single submitter. Criteria: Invitae Variant Classification Sherloc (09022015). Collection method: clinical testing. Allele origin: germline.

CeGaT Center for Human Genetics Tuebingen
Classification: Likely benign. Last evaluated: 2026-01-01. Review status: criteria provided, single submitter. Criteria: CeGaT Center For Human Genetics Tuebingen Variant Classification Criteria Version 2. Collection method: clinical testing. Allele origin: germline. Affected: yes. Observed: 1 variant allele.
Comment: CHD7: BP4, BP7

GeneDx
Classification: Likely benign. Last evaluated: 2020-03-20. Review status: criteria provided, single submitter. Criteria: GeneDx Variant Classification Process June 2021. Collection method: clinical testing. Allele origin: germline. Affected: yes.

PreventionGenetics, part of Exact Sciences
Classification: Likely benign for CHD7-related condition. Last evaluated: 2019-06-25. Review status: no assertion criteria provided. Collection method: clinical testing. Allele origin: germline. Not counted in ClinVar's aggregate classification.
Comment: This variant is classified as likely benign based on ACMG/AMP sequence variant interpretation guidelines (Richards et al. 2015 PMID: 25741868, with internal and published modifications).